The following is an entry in ClinVar:

ClinVar aggregate classification (germline): Uncertain significance (1 of 4 stars; one submission).

Conditions:
LZTR1-related disorder. Also called: LZTR1-related disorders; LZTR1-related condition.

Submission:

PreventionGenetics, part of Exact Sciences
Classification: Uncertain significance for LZTR1-related condition. Last evaluated: 2023-03-22. Review status: criteria provided, single submitter. Criteria: ACMG Guidelines, 2015. Collection method: clinical testing. Allele origin: germline.
Comment: The LZTR1 c.209_210delinsGA variant is predicted to result in an in-frame deletion and insertion. To our knowledge, this variant has not been reported in the literature or in a large population database, indicating this variant is rare. At this time, the clinical significance of this variant is uncertain due to the absence of conclusive functional and genetic evidence.

NM_006767.4(LZTR1):c.209_210delinsGA (p.Lys70Arg)

Gene: LZTR1 (leucine zipper like post translational regulator 1; plus strand). Cytogenetic location: 22q11.21.
Variant type: Indel.
Coding change: c.209_210delinsGA on transcript NM_006767.4 (MANE Select); coding-DNA positions 209 to 210, AG replaced by GA.
Protein change: p.Lys70Arg; replaces lysine 70 with arginine.
Molecular consequence: missense variant.
Genome position (GRCh38, 1-based): chr22:20,983,035-20,983,036, AG replaced by GA. VCF-style: chr22-20983035-AG-GA. GRCh37 (hg19) VCF-style: chr22-21337324-AG-GA.
Other names: short protein forms K70R.
Identifiers: ClinVar variation 2633430 (VCV002633430.1), dbSNP rs2518608564, ClinGen allele CA2695200069.